The following is an entry in ClinVar:

NM_007144.3(PCGF2):c.932C>T (p.Thr311Ile)

Genes: CISD3 (CDGSH iron sulfur domain 3; plus strand), PCGF2 (polycomb group ring finger 2; minus strand). Cytogenetic location: 17q12.
Variant type: single nucleotide variant.
Coding change: c.932C>T on transcript NM_007144.3 (MANE Select); coding-DNA position 932, C replaced by T.
Protein change: p.Thr311Ile; replaces threonine 311 with isoleucine.
Molecular consequence: missense variant. On other transcripts: 3 prime UTR variant (1).
Genome position (GRCh38, 1-based): chr17:38,735,326, G>A on the plus strand (C>T on the coding strand, the complement: PCGF2 is on the minus strand). VCF-style: chr17-38735326-G-A. GRCh37 (hg19) VCF-style: chr17-36891579-G-A.
Other names: c.*1871G>A (NM_001136498.2); c.932C>T, p.Thr311Ile (NM_001369614.1, NM_001369615.1); short protein forms T311I.
Identifiers: ClinVar variation 1927468 (VCV001927468.5), dbSNP rs1440488481, ClinGen allele CA398819650.

ClinVar aggregate classification (germline): Uncertain significance (1 of 4 stars; one submission).

Allele frequency attached by ClinVar (database versions not stated): TOPMed 0.00001.

Submission:

Labcorp Genetics (formerly Invitae), Labcorp
Classification: Uncertain significance. Last evaluated: 2022-10-05. Review status: criteria provided, single submitter. Criteria: Invitae Variant Classification Sherloc (09022015). Collection method: clinical testing. Allele origin: germline.
Comment: In summary, the available evidence is currently insufficient to determine the role of this variant in disease. Therefore, it has been classified as a Variant of Uncertain Significance. Algorithms developed to predict the effect of missense changes on protein structure and function (SIFT, PolyPhen-2, Align-GVGD) all suggest that this variant is likely to be tolerated. This variant has not been reported in the literature in individuals affected with PCGF2-related conditions. This variant is present in population databases (no rsID available, gnomAD 0.02%). This sequence change replaces threonine, which is neutral and polar, with isoleucine, which is neutral and non-polar, at codon 311 of the PCGF2 protein (p.Thr311Ile).